The following is an entry in ClinVar:

NM_005476.7(GNE):c.*583G>A

Gene: GNE (glucosamine (UDP-N-acetyl)-2-epimerase/N-acetylmannosamine kinase; minus strand). Cytogenetic location: 9p13.3.
Variant type: single nucleotide variant.
Coding change: c.*583G>A on transcript NM_005476.7 (MANE Select); 583 bases downstream of the stop codon, G replaced by A.
Molecular consequence: 3 prime UTR variant.
Genome position (GRCh38, 1-based): chr9:36,216,782, C>T on the plus strand (G>A on the coding strand, the complement: GNE is on the minus strand). VCF-style: chr9-36216782-C-T. GRCh37 (hg19) VCF-style: chr9-36216779-C-T.
Other names: c.*583G>A (NM_001128227.3, NM_001190383.3, NM_001190384.3 and 3 more transcripts).
Identifiers: ClinVar variation 366835 (VCV000366835.6), dbSNP rs182741472, ClinGen allele CA10627317.

ClinVar aggregate classification (germline): Benign (1 of 4 stars; one submission).

Conditions:
Sialuria. Also called: SIALURIA, FRENCH TYPE; Sialic Acid Storage Disease. Identifiers: Orphanet 3166, MedGen C0342853, MONDO:0010028, OMIM 269921.

Allele frequency attached by ClinVar (database versions not stated): gnomAD exomes 0.00066; 1000 Genomes Project 0.00260; gnomAD 0.00273 and 0.00279; TOPMed 0.00313; 1000 Genomes Project 30x 0.00328.
gnomAD v4.1: 416 of 161,464 alleles (0.26%); highest among the groups gnomAD compares: African/African-American, 0.71%; 1 homozygote.

Submission:

Illumina Laboratory Services, Illumina
Classification: Benign for Sialuria. Last evaluated: 2018-01-12. Review status: criteria provided, single submitter. Criteria: ICSL Variant Classification Criteria 13 December 2019. Collection method: clinical testing. Allele origin: germline.
Comment: This variant was observed in the ICSL laboratory as part of a predisposition screen in an ostensibly healthy population. It had not been previously curated by ICSL or reported in the Human Gene Mutation Database (HGMD: prior to June 1st, 2018), and was therefore a candidate for classification through an automated scoring system. Utilizing variant allele frequency, disease prevalence and penetrance estimates, and inheritance mode, an automated score was calculated to assess if this variant is too frequent to cause the disease. Based on the score and internal cut-off values, a variant classified as benign is not then subjected to further curation. The score for this variant resulted in a classification of benign for this disease.